The following is an entry in ClinVar:

NM_004415.4(DSP):c.8178C>G (p.Phe2726Leu)

Gene: DSP (desmoplakin; plus strand). Cytogenetic location: 6p24.3.
Variant type: single nucleotide variant.
Coding change: c.8178C>G on transcript NM_004415.4 (MANE Select); coding-DNA position 8178, C replaced by G.
Protein change: p.Phe2726Leu; replaces phenylalanine 2726 with leucine.
Molecular consequence: missense variant.
Genome position (GRCh38, 1-based): chr6:7,585,440, C>G. VCF-style: chr6-7585440-C-G. GRCh37 (hg19) VCF-style: chr6-7585673-C-G.
Other names: c.6381C>G, p.Phe2127Leu (NM_001008844.3); c.6849C>G, p.Phe2283Leu (NM_001319034.2); short protein forms F2127L, F2283L, F2726L.
Identifiers: ClinVar variation 3386731 (VCV003386731.1).
Genomic context (GRCh38, chr6:7,585,440, plus strand): 5'-GATGTCAGCAGCAGAGGCAGTGAAAGAAAAATGGCTCCCGTATGAGGCTGGCCAGCGCTT[C>G]CTGGAGTTCCAGTACCTCACGGGAGGTCTTGTTGACCCGGAAGTGCATGGGAGGATAAGC-3'
Protein context (NP_004406.2, residues 2716-2736): KWLPYEAGQR[Phe2726Leu]LEFQYLTGGL

ClinVar aggregate classification (germline): Uncertain significance (1 of 4 stars; one submission).

Conditions:
Arrhythmogenic cardiomyopathy with wooly hair and keratoderma. Also called: Carvajal syndrome; PALMOPLANTAR KERATODERMA WITH LEFT VENTRICULAR CARDIOMYOPATHY AND WOOLLY HAIR; Dilated cardiomyopathy with woolly hair and keratoderma; Arrhythmogenic cardiomyopathy with woolly hair and keratoderma. Identifiers: Orphanet 65282, MedGen C1854063, MONDO:0011581, OMIM 605676.

Submission:

All of Us Research Program, National Institutes of Health
Classification: Uncertain significance for Arrhythmogenic cardiomyopathy with wooly hair and keratoderma. Last evaluated: 2024-09-27. Review status: criteria provided, single submitter. Criteria: ACMG Guidelines, 2015. Collection method: clinical testing. Allele origin: germline. Inheritance: Autosomal dominant inheritance. Observed: 1 variant allele, 1 heterozygote.
Comment: This study involves interpretation of variants in research participants for the purpose of population health screening. Participant phenotype was not available at the time of variant classification. Additional details can be found in publication PMID: 35346344, PMCID: PMC8962531